The following is an entry in ClinVar:

NM_001127208.3(TET2):c.301C>A (p.Pro101Thr)

Genes: TET2 (tet methylcytosine dioxygenase 2; plus strand), TET2-AS1 (TET2 antisense RNA 1; minus strand). Cytogenetic location: 4q24.
Variant type: single nucleotide variant.
Coding change: c.301C>A on transcript NM_001127208.3 (MANE Select); coding-DNA position 301, C replaced by A.
Protein change: p.Pro101Thr; replaces proline 101 with threonine.
Molecular consequence: missense variant.
Genome position (GRCh38, 1-based): chr4:105,234,243, C>A. VCF-style: chr4-105234243-C-A. GRCh37 (hg19) VCF-style: chr4-106155400-C-A.
Other names: c.301C>A, p.Pro101Thr (NM_017628.4); short protein forms P101T.
Identifiers: ClinVar variation 3364189 (VCV003364189.4).

ClinVar aggregate classification (germline): Uncertain significance. Review status: criteria provided, multiple submitters, no conflicts (2 of 4 stars). 3 submissions from 3 submitters: Uncertain significance (3). Last evaluated 2025-12-03.

gnomAD v4.1: 60 of 1,613,984 alleles (0.0037%); highest among the groups gnomAD compares: Middle Eastern, 0.099%; no homozygotes.

Submissions (3):

Labcorp Genetics (formerly Invitae), Labcorp
Classification: Uncertain significance. Last evaluated: 2025-12-03. Review status: criteria provided, single submitter. Criteria: Invitae Variant Classification Sherloc (09022015). Collection method: clinical testing. Allele origin: germline.
Comment: This sequence change replaces proline, which is neutral and non-polar, with threonine, which is neutral and polar, at codon 101 of the TET2 protein (p.Pro101Thr). This variant is present in population databases (rs781201899, gnomAD 0.02%). This variant has not been reported in the literature in individuals affected with TET2-related conditions. ClinVar contains an entry for this variant (Variation ID: 3364189). An algorithm developed to predict the effect of missense changes on protein structure and function (PolyPhen-2) suggests that this variant is likely to be disruptive. In summary, the available evidence is currently insufficient to determine the role of this variant in disease. Therefore, it has been classified as a Variant of Uncertain Significance.

Blueprint Genetics
Classification: Uncertain significance. Last evaluated: 2024-06-20. Review status: criteria provided, single submitter. Criteria: ACMG Guidelines, 2015. Collection method: clinical testing. Allele origin: germline.

GeneDx
Classification: Uncertain significance. Last evaluated: 2023-11-12. Review status: criteria provided, single submitter. Criteria: GeneDx Variant Classification Process June 2021. Collection method: clinical testing. Allele origin: germline. Affected: yes.
Comment: In silico analysis supports that this missense variant has a deleterious effect on protein structure/function; Has not been previously published as pathogenic or benign to our knowledge